The following is an entry in ClinVar:

NM_178140.4(PDZD2):c.5622T>C (p.Thr1874=)

Gene: PDZD2 (PDZ domain containing 2; plus strand). Cytogenetic location: 5p13.3.
Variant type: single nucleotide variant.
Coding change: c.5622T>C on transcript NM_178140.4 (MANE Select); coding-DNA position 5622, T replaced by C.
Protein change: p.Thr1874=; no amino-acid change (threonine 1874 retained).
Molecular consequence: synonymous variant.
Genome position (GRCh38, 1-based): chr5:32,089,070, T>C. VCF-style: chr5-32089070-T-C. GRCh37 (hg19) VCF-style: chr5-32089176-T-C.
Identifiers: ClinVar variation 2655380 (VCV002655380.24), dbSNP rs777931238, ClinGen allele CA3219949.
Genomic context (GRCh38, chr5:32,089,070, plus strand): 5'-GAAAACAAACCTGGAAAATAAGGACCTGTCTAAGAAGAGTCCGGCAGAAATGCTTCTGAC[T>C]AATGGTCAGAAGGCAAAGTGTGGTCCGAAGCTGAAGAGGCTCAGCCTCAAGGGCAAGGCC-3'
Protein context (NP_835260.2, residues 1864-1884): SKKSPAEMLL[Thr1874=]NGQKAKCGPK

ClinVar aggregate classification (germline): Likely benign (1 of 4 stars; one submission).

Allele frequency attached by ClinVar (database versions not stated): gnomAD exomes below 0.00001; ExAC 0.00001; gnomAD 0.00001.
gnomAD v4.1: 6 of 1,613,572 alleles (0.00037%); highest among the groups gnomAD compares: Middle Eastern, 0.049%; no homozygotes.

Submission:

CeGaT Center for Human Genetics Tuebingen
Classification: Likely benign. Last evaluated: 2023-10-01. Review status: criteria provided, single submitter. Criteria: CeGaT Center For Human Genetics Tuebingen Variant Classification Criteria Version 2. Collection method: clinical testing. Allele origin: germline. Affected: yes. Observed: 1 variant allele.
Comment: PDZD2: BP4, BP7